The following is an entry in ClinVar:

ClinVar aggregate classification (germline): Uncertain significance (1 of 4 stars; one submission).

Conditions:
Inborn genetic diseases. Identifiers: MedGen C0950123, MeSH D030342.

Allele frequency attached by ClinVar (database versions not stated): ExAC 0.00001; gnomAD 0.00001; gnomAD exomes 0.00001.
gnomAD v4.1: 18 of 1,607,790 alleles (0.0011%); highest among the groups gnomAD compares: Non-Finnish European, 0.0015%; no homozygotes.

Submission:

Ambry Genetics
Classification: Uncertain significance for Inborn genetic diseases. Last evaluated: 2019-08-21. Review status: criteria provided, single submitter. Criteria: Ambry Variant Classification Scheme 2023. Collection method: clinical testing. Allele origin: germline.
Comment: The p.P119L variant (also known as c.356C>T), located in coding exon 3 of the DNM1 gene, results from a C to T substitution at nucleotide position 356. The proline at codon 119 is replaced by leucine, an amino acid with similar properties. This amino acid position is highly conserved in available vertebrate species. In addition, this alteration is predicted to be deleterious by in silico analysis. Since supporting evidence is limited at this time, the clinical significance of this alteration remains unclear.

NM_004408.4(DNM1):c.356C>T (p.Pro119Leu)

Genes: DNM1 (dynamin 1; plus strand), LOC113839516 (Sharpr-MPRA regulatory region 8497; plus strand). Cytogenetic location: 9q34.11.
Variant type: single nucleotide variant.
Coding change: c.356C>T on transcript NM_004408.4 (MANE Select); coding-DNA position 356, C replaced by T.
Protein change: p.Pro119Leu; replaces proline 119 with leucine.
Molecular consequence: missense variant.
Genome position (GRCh38, 1-based): chr9:128,218,702, C>T. VCF-style: chr9-128218702-C-T. GRCh37 (hg19) VCF-style: chr9-130980981-C-T.
Other names: c.356C>T, p.Pro119Leu (NM_001005336.3, NM_001288737.2, NM_001288738.2 and 2 more transcripts); short protein forms P119L.
Identifiers: ClinVar variation 1732780 (VCV001732780.2), dbSNP rs761430518, ClinGen allele CA5257783.